The following is an entry in ClinVar:

ClinVar aggregate classification (germline): Uncertain significance. Review status: criteria provided, multiple submitters, no conflicts (2 of 4 stars). 2 submissions from 2 submitters: Uncertain significance (2). Last evaluated 2026-07-29.

Conditions:
Hereditary cancer-predisposing syndrome. Also called: Hereditary neoplastic syndrome; Neoplastic Syndromes, Hereditary; Tumor predisposition; Hereditary Cancer Syndrome. Identifiers: Orphanet 140162, MedGen C0027672, MeSH D009386, MONDO:0015356.
Hereditary breast ovarian cancer syndrome. Also called: Hereditary breast and ovarian cancer syndrome (HBOC); Hereditary breast and ovarian cancer; Breast and ovarian cancer; Hereditary breast and/or ovarian cancer syndrome; Hereditary breast and ovarian cancer syndrome; BRCA1- and BRCA2-Associated Hereditary Breast and Ovarian Cancer. Identifiers: Orphanet 145, MedGen C0677776, MeSH D061325, MONDO:0003582. Disease mechanism: loss of function.

Submissions (2):

Ambry Genetics
Classification: Uncertain significance for Hereditary cancer-predisposing syndrome. Last evaluated: 2026-07-29. Review status: criteria provided, single submitter. Criteria: Ambry Variant Classification Scheme 2023. Collection method: clinical testing. Allele origin: germline.
Comment: The p.C2817S variant (also known as c.8450G>C), located in coding exon 18 of the BRCA2 gene, results from a G to C substitution at nucleotide position 8450. The cysteine at codon 2817 is replaced by serine, an amino acid with dissimilar properties. Two saturation genome editing-based studies, including a haploid cell-survival assay and a humanized mouse embryonic stem cell line assay of drug response and survival, demonstrate that this nucleotide substitution may be functional; however, additional evidence is needed to confirm these findings (Huang H et al. Nature. 2025 Feb;638(8050):528-537; Sahu S et al. Nature. 2025 Feb;638(8050):538-545).This amino acid position is highly conserved in available vertebrate species. In addition, the in silico prediction for this alteration is inconclusive. Based on the available evidence, the clinical significance of this variant remains unclear.

Labcorp Genetics (formerly Invitae), Labcorp
Classification: Uncertain significance for Hereditary breast ovarian cancer syndrome. Last evaluated: 2022-03-12. Review status: criteria provided, single submitter. Criteria: Invitae Variant Classification Sherloc (09022015). Collection method: clinical testing. Allele origin: germline.
Comment: This sequence change replaces cysteine, which is neutral and slightly polar, with serine, which is neutral and polar, at codon 2817 of the BRCA2 protein (p.Cys2817Ser). This variant is not present in population databases (gnomAD no frequency). This variant has not been reported in the literature in individuals affected with BRCA2-related conditions. Advanced modeling of protein sequence and biophysical properties (such as structural, functional, and spatial information, amino acid conservation, physicochemical variation, residue mobility, and thermodynamic stability) performed at Invitae indicates that this missense variant is not expected to disrupt BRCA2 protein function. In summary, the available evidence is currently insufficient to determine the role of this variant in disease. Therefore, it has been classified as a Variant of Uncertain Significance.

Literature cited by the submitters: PubMed 39779848 (cited by Ambry Genetics); PubMed 39779857 (cited by Ambry Genetics).

NM_000059.4(BRCA2):c.8450G>C (p.Cys2817Ser)

Gene: BRCA2 (BRCA2 DNA repair associated; plus strand). Cytogenetic location: 13q13.1.
Variant type: single nucleotide variant.
Coding change: c.8450G>C on transcript NM_000059.4 (MANE Select); coding-DNA position 8450, G replaced by C.
Protein change: p.Cys2817Ser; replaces cysteine 2817 with serine.
Molecular consequence: missense variant.
Genome position (GRCh38, 1-based): chr13:32,370,520, G>C. VCF-style: chr13-32370520-G-C. GRCh37 (hg19) VCF-style: chr13-32944657-G-C.
Other names: c.8354G>C, p.Cys2785Ser (NM_001406719.1); c.8450G>C, p.Cys2817Ser (NM_001406720.1); c.3518G>C, p.Cys1173Ser (NM_001406721.1); c.2033G>C, p.Cys678Ser (NM_001406722.1); short protein forms C2817S, C678S, C1173S, C2785S.
Identifiers: ClinVar variation 1946464 (VCV001946464.6), dbSNP rs786201992, ClinGen allele CA387752581.